The following is an entry in ClinVar:

NM_001199138.2(NLRC4):c.92A>G (p.Asn31Ser)

Gene: NLRC4 (NLR family CARD domain containing 4; minus strand). Cytogenetic location: 2p22.3.
Variant type: single nucleotide variant.
Coding change: c.92A>G on transcript NM_001199138.2 (MANE Select); coding-DNA position 92, A replaced by G.
Protein change: p.Asn31Ser; replaces asparagine 31 with serine.
Molecular consequence: missense variant.
Genome position (GRCh38, 1-based): chr2:32,252,589, T>C on the plus strand (A>G on the coding strand, the complement: NLRC4 is on the minus strand). VCF-style: chr2-32252589-T-C. GRCh37 (hg19) VCF-style: chr2-32477658-T-C.
Other names: c.92A>G, p.Asn31Ser (NM_001199139.2, NM_001302504.2, NM_021209.5); short protein forms N31S.
Identifiers: ClinVar variation 3749275 (VCV003749275.2).

ClinVar aggregate classification (germline): Uncertain significance (1 of 4 stars; one submission).

Conditions:
Periodic fever-infantile enterocolitis-autoinflammatory syndrome. Also called: Autoinflammation with infantile enterocolitis. Identifiers: Orphanet 436166, MedGen C4015067, MONDO:0014472, OMIM 616050.
Familial cold autoinflammatory syndrome 4 (FCAS4). Identifiers: Orphanet 47045, Orphanet 576349, MedGen C4015276, MONDO:0014498, OMIM 616115.

gnomAD v4.1: 2 of 1,614,072 alleles (0.00012%); highest among the groups gnomAD compares: Admixed American, 0.0033%; no homozygotes.

Submission:

Labcorp Genetics (formerly Invitae), Labcorp
Classification: Uncertain significance for Periodic fever-infantile enterocolitis-autoinflammatory syndrome; Familial cold autoinflammatory syndrome 4. Last evaluated: 2024-05-13. Review status: criteria provided, single submitter. Criteria: Invitae Variant Classification Sherloc (09022015). Collection method: clinical testing. Allele origin: germline.
Comment: This sequence change replaces asparagine, which is neutral and polar, with serine, which is neutral and polar, at codon 31 of the NLRC4 protein (p.Asn31Ser). This variant is present in population databases (no rsID available, gnomAD 0.003%). This variant has not been reported in the literature in individuals affected with NLRC4-related conditions. An algorithm developed to predict the effect of missense changes on protein structure and function (PolyPhen-2) suggests that this variant is likely to be tolerated. In summary, the available evidence is currently insufficient to determine the role of this variant in disease. Therefore, it has been classified as a Variant of Uncertain Significance.